The following is an entry in ClinVar:

NM_000238.4(KCNH2):c.730G>A (p.Ala244Thr)

Gene: KCNH2 (potassium voltage-gated channel subfamily H member 2; minus strand). Cytogenetic location: 7q36.1.
Variant type: single nucleotide variant.
Coding change: c.730G>A on transcript NM_000238.4 (MANE Select); coding-DNA position 730, G replaced by A.
Protein change: p.Ala244Thr; replaces alanine 244 with threonine.
Molecular consequence: missense variant.
Genome position (GRCh38, 1-based): chr7:150,958,245, C>T on the plus strand (G>A on the coding strand, the complement: KCNH2 is on the minus strand). VCF-style: chr7-150958245-C-T. GRCh37 (hg19) VCF-style: chr7-150655333-C-T.
Other names: c.442G>A, p.Ala148Thr (NM_001406753.1, NM_001406756.1); c.553G>A, p.Ala185Thr (NM_001406755.1); c.430G>A, p.Ala144Thr (NM_001406757.1); c.730G>A, p.Ala244Thr (NM_172056.3); short protein forms A148T, A185T, A244T, A144T.
Identifiers: ClinVar variation 1758253 (VCV001758253.5), dbSNP rs1193549425, ClinGen allele CA369862690.
Genomic context (GRCh38, chr7:150,958,245, plus strand): 5'-TGGAGCCCGAGGCGTCGGGGTTGAGGCTGTGCGCCCGGGGCGATGGGAGCTGGCCGGGCG[C>T]GCTGCGGGGCGGAGAGCCGGGACCCACCAGCGCACGCCGCTCCTCCGCGGGCCCGAGCCC-3'
Protein context (NP_000229.1, residues 234-254): LVGPGSPPRS[Ala244Thr]PGQLPSPRAH

ClinVar aggregate classification (germline): Uncertain significance. Review status: criteria provided, multiple submitters, no conflicts (2 of 4 stars). 2 submissions from 2 submitters: Uncertain significance (2). Last evaluated 2024-04-27.

Conditions:
Long QT syndrome (LQTS). Identifiers: MedGen C0023976, MeSH D008133, MONDO:0002442. Disease mechanism: loss of function. Inheritance: Various modes of inheritance.
Cardiovascular phenotype. Identifiers: MedGen CN230736.

Submissions (2):

Labcorp Genetics (formerly Invitae), Labcorp
Classification: Uncertain significance for Long QT syndrome. Last evaluated: 2024-04-27. Review status: criteria provided, single submitter. Criteria: Invitae Variant Classification Sherloc (09022015). Collection method: clinical testing. Allele origin: germline.
Comment: This sequence change replaces alanine, which is neutral and non-polar, with threonine, which is neutral and polar, at codon 244 of the KCNH2 protein (p.Ala244Thr). This variant is not present in population databases (gnomAD no frequency). This variant has not been reported in the literature in individuals affected with KCNH2-related conditions. ClinVar contains an entry for this variant (Variation ID: 1758253). An algorithm developed to predict the effect of missense changes on protein structure and function (PolyPhen-2) suggests that this variant is likely to be tolerated. In summary, the available evidence is currently insufficient to determine the role of this variant in disease. Therefore, it has been classified as a Variant of Uncertain Significance.

Ambry Genetics
Classification: Uncertain significance for Cardiovascular phenotype. Last evaluated: 2021-02-03. Review status: criteria provided, single submitter. Criteria: Ambry Variant Classification Scheme 2023. Collection method: clinical testing. Allele origin: germline.
Comment: The p.A244T variant (also known as c.730G>A), located in coding exon 4 of the KCNH2 gene, results from a G to A substitution at nucleotide position 730. The alanine at codon 244 is replaced by threonine, an amino acid with similar properties. This amino acid position is not well conserved in available vertebrate species. In addition, this alteration is predicted to be tolerated by in silico analysis. Since supporting evidence is limited at this time, the clinical significance of this alteration remains unclear.